The following is an entry in ClinVar:

NM_006514.4(SCN10A):c.5104T>C (p.Phe1702Leu)

Gene: SCN10A (sodium voltage-gated channel alpha subunit 10; minus strand). Cytogenetic location: 3p22.2.
Variant type: single nucleotide variant.
Coding change: c.5104T>C on transcript NM_006514.4 (MANE Select); coding-DNA position 5104, T replaced by C.
Protein change: p.Phe1702Leu; replaces phenylalanine 1702 with leucine.
Molecular consequence: missense variant.
Genome position (GRCh38, 1-based): chr3:38,698,116, A>G on the plus strand (T>C on the coding strand, the complement: SCN10A is on the minus strand). VCF-style: chr3-38698116-A-G. GRCh37 (hg19) VCF-style: chr3-38739607-A-G.
Other names: c.5101T>C, p.Phe1701Leu (NM_001293306.2); c.4810T>C, p.Phe1604Leu (NM_001293307.2); short protein forms F1604L, F1701L, F1702L.
Identifiers: ClinVar variation 1343894 (VCV001343894.7), dbSNP rs2063115140, ClinGen allele CA352154536.

ClinVar aggregate classification (germline): Uncertain significance. Review status: criteria provided, multiple submitters, no conflicts (2 of 4 stars). 3 submissions from 3 submitters: Uncertain significance (3). Last evaluated 2023-12-21.

Conditions:
Cardiovascular phenotype. Identifiers: MedGen CN230736.
Brugada syndrome. Also called: Sudden Unexplained Death Syndrome; Sudden Unexplained Nocturnal Death Syndrome (SUNDS); Sudden unexplained nocturnal death syndrome; Sudden unexpected nocturnal death syndrome. Identifiers: Orphanet 130, MedGen C1142166, MONDO:0015263.

Allele frequency attached by ClinVar (database versions not stated): gnomAD exomes below 0.00001; TOPMed below 0.00001; gnomAD 0.00001.
gnomAD v4.1: 4 of 1,613,962 alleles (0.00025%); highest among the groups gnomAD compares: African/African-American, 0.0053%; no homozygotes.

Submissions (3):

Ambry Genetics
Classification: Uncertain significance for Cardiovascular phenotype. Last evaluated: 2023-12-21. Review status: criteria provided, single submitter. Criteria: Ambry Variant Classification Scheme 2023. Collection method: clinical testing. Allele origin: germline.
Comment: The p.F1702L variant (also known as c.5104T>C), located in coding exon 27 of the SCN10A gene, results from a T to C substitution at nucleotide position 5104. The phenylalanine at codon 1702 is replaced by leucine, an amino acid with highly similar properties. This amino acid position is conserved. In addition, this alteration is predicted to be deleterious by in silico analysis. Since supporting evidence is limited at this time, the clinical significance of this alteration remains unclear.

Labcorp Genetics (formerly Invitae), Labcorp
Classification: Uncertain significance for Brugada syndrome. Last evaluated: 2022-07-22. Review status: criteria provided, single submitter. Criteria: Invitae Variant Classification Sherloc (09022015). Collection method: clinical testing. Allele origin: germline.
Comment: In summary, the available evidence is currently insufficient to determine the role of this variant in disease. Therefore, it has been classified as a Variant of Uncertain Significance. Advanced modeling of protein sequence and biophysical properties (such as structural, functional, and spatial information, amino acid conservation, physicochemical variation, residue mobility, and thermodynamic stability) performed at Invitae indicates that this missense variant is expected to disrupt SCN10A protein function. ClinVar contains an entry for this variant (Variation ID: 1343894). This variant has not been reported in the literature in individuals affected with SCN10A-related conditions. This variant is not present in population databases (gnomAD no frequency). This sequence change replaces phenylalanine, which is neutral and non-polar, with leucine, which is neutral and non-polar, at codon 1702 of the SCN10A protein (p.Phe1702Leu).

GeneDx
Classification: Uncertain significance. Last evaluated: 2021-09-09. Review status: criteria provided, single submitter. Criteria: GeneDx Variant Classification Process June 2021. Collection method: clinical testing. Allele origin: germline. Affected: yes.
Comment: Has not been previously published as pathogenic or benign to our knowledge; Not observed at significant frequency in large population cohorts (gnomAD); In silico analysis supports that this missense variant has a deleterious effect on protein structure/function